The following is an entry in ClinVar:

NM_138711.6(PPARG):c.167C>G (p.Thr56Arg)

Gene: PPARG (peroxisome proliferator activated receptor gamma; plus strand). Cytogenetic location: 3p25.2.
Variant type: single nucleotide variant.
Coding change: c.167C>G on transcript NM_138711.6 (MANE Select); coding-DNA position 167, C replaced by G.
Protein change: p.Thr56Arg; replaces threonine 56 with arginine.
Molecular consequence: missense variant. On other transcripts: 5 prime UTR variant (1).
Genome position (GRCh38, 1-based): chr3:12,379,878, C>G. VCF-style: chr3-12379878-C-G. GRCh37 (hg19) VCF-style: chr3-12421377-C-G.
Other names: c.167C>G, p.Thr56Arg (NM_001330615.4, NM_001354666.3, NM_001354667.3 and 6 more transcripts); c.257C>G, p.Thr86Arg (NM_001354668.2, NM_001374265.1, NM_015869.5); c.-261C>G (NM_001354669.2); c.173C>G, p.Thr58Arg (NM_001354670.2, NM_001374266.1); short protein forms T58R, T56R, T86R.
Identifiers: ClinVar variation 4996410 (VCV004996410.1).

ClinVar aggregate classification (germline): Uncertain significance (1 of 4 stars; one submission).

Conditions:
PPARG-related disorder. Also called: PPARG-related disorders; PPARG-related condition.

Submission:

PreventionGenetics, part of Exact Sciences
Classification: Uncertain significance for PPARG-related condition. Last evaluated: 2026-03-03. Review status: criteria provided, single submitter. Criteria: ACMG Guidelines, 2015. Collection method: clinical testing. Allele origin: germline.
Comment: The PPARG c.257C>G variant is predicted to result in the amino acid substitution p.Thr86Arg. To our knowledge, this variant has not been reported in the literature or in a large population database (gnomAD), indicating this variant is rare. At this time, the clinical significance of this variant is uncertain due to the absence of conclusive functional and genetic evidence.